The following is an entry in ClinVar:

ClinVar aggregate classification (germline): Likely benign (1 of 4 stars; one submission).

Submission:

GeneDx
Classification: Likely benign. Last evaluated: 2016-10-25. Review status: criteria provided, single submitter. Criteria: GeneDx Variant Classification (06012015). Collection method: clinical testing. Allele origin: germline. Affected: yes.
Comment: This variant is considered likely benign or benign based on one or more of the following criteria: it is a conservative change, it occurs at a poorly conserved position in the protein, it is predicted to be benign by multiple in silico algorithms, and/or has population frequency not consistent with disease.

NM_016203.4(PRKAG2):c.387C>A (p.Ser129=)

Gene: PRKAG2 (protein kinase AMP-activated non-catalytic subunit gamma 2; minus strand). Cytogenetic location: 7q36.1.
Variant type: single nucleotide variant.
Coding change: c.387C>A on transcript NM_016203.4 (MANE Select); coding-DNA position 387, C replaced by A.
Protein change: p.Ser129=; no amino-acid change (serine 129 retained).
Molecular consequence: synonymous variant.
Genome position (GRCh38, 1-based): chr7:151,781,231, G>T on the plus strand (C>A on the coding strand, the complement: PRKAG2 is on the minus strand). VCF-style: chr7-151781231-G-T. GRCh37 (hg19) VCF-style: chr7-151478317-G-T.
Other names: c.255C>A, p.Ser85= (NM_001040633.2).
Identifiers: ClinVar variation 389637 (VCV000389637.1), dbSNP rs138610896, ClinGen allele CA16605183.